The following is an entry in ClinVar:

NM_000388.4(CASR):c.2331C>T (p.Ile777=)

Gene: CASR (calcium sensing receptor; plus strand). Cytogenetic location: 3q21.1.
Variant type: single nucleotide variant.
Coding change: c.2331C>T on transcript NM_000388.4 (MANE Select); coding-DNA position 2331, C replaced by T.
Protein change: p.Ile777=; no amino-acid change (isoleucine 777 retained).
Molecular consequence: synonymous variant.
Genome position (GRCh38, 1-based): chr3:122,284,285, C>T. VCF-style: chr3-122284285-C-T. GRCh37 (hg19) VCF-style: chr3-122003132-C-T.
Other names: c.2361C>T, p.Ile787= (NM_001178065.2).
Identifiers: ClinVar variation 754789 (VCV000754789.14), dbSNP rs760608351, ClinGen allele CA2569816.

ClinVar aggregate classification (germline): Likely benign. Review status: criteria provided, multiple submitters, no conflicts (2 of 4 stars). 3 submissions from 3 submitters: Likely benign (3). Last evaluated 2026-08-01.

Conditions:
Autosomal dominant hypocalcemia 1 (HYPOC1). Also called: HYPOCALCEMIA, FAMILIAL. Identifiers: MedGen C3715128, MONDO:0011013, OMIM 601198.
Familial hypocalciuric hypercalcemia (FHH). Also called: Familial benign hypercalcemia. Identifiers: Orphanet 405, MedGen C1809471, MONDO:0018458.
Nephrolithiasis/nephrocalcinosis. Identifiers: MedGen CN580796.

Allele frequency attached by ClinVar (database versions not stated): gnomAD exomes below 0.00001; TOPMed below 0.00001; ExAC 0.00001; gnomAD 0.00001.
gnomAD v4.1: 7 of 1,614,014 alleles (0.00043%); highest among the groups gnomAD compares: South Asian, 0.0022%; no homozygotes.

Submissions (3):

CeGaT Center for Human Genetics Tuebingen
Classification: Likely benign. Last evaluated: 2026-08-01. Review status: criteria provided, single submitter. Criteria: CeGaT Center For Human Genetics Tuebingen Variant Classification Criteria Version 2. Collection method: clinical testing. Allele origin: germline. Affected: yes. Observed: 1 variant allele.
Comment: CASR: BP4, BP7

Labcorp Genetics (formerly Invitae), Labcorp
Classification: Likely benign for Familial hypocalciuric hypercalcemia; Autosomal dominant hypocalcemia 1. Last evaluated: 2025-10-03. Review status: criteria provided, single submitter. Criteria: Invitae Variant Classification Sherloc (09022015). Collection method: clinical testing. Allele origin: germline.

Ambry Genetics
Classification: Likely benign for Nephrolithiasis/nephrocalcinosis. Last evaluated: 2019-09-19. Review status: criteria provided, single submitter. Criteria: Ambry Variant Classification Scheme 2023. Collection method: clinical testing. Allele origin: germline.